The following is an entry in ClinVar:

ClinVar aggregate classification (germline): Likely benign (1 of 4 stars; one submission).

gnomAD v4.1: 1 of 1,613,906 alleles (0.000062%); highest among the groups gnomAD compares: Admixed American, 0.0017%; no homozygotes.

Submission:

GeneDx
Classification: Likely benign. Last evaluated: 2017-12-05. Review status: criteria provided, single submitter. Criteria: GeneDx Variant Classification (06012015). Collection method: clinical testing. Allele origin: germline. Affected: yes.
Comment: This variant is considered likely benign or benign based on one or more of the following criteria: it is a conservative change, it occurs at a poorly conserved position in the protein, it is predicted to be benign by multiple in silico algorithms, and/or has population frequency not consistent with disease.

NM_021625.5(TRPV4):c.1892-13T>C

Gene: TRPV4 (transient receptor potential cation channel subfamily V member 4; minus strand). Cytogenetic location: 12q24.11.
Variant type: single nucleotide variant.
Coding change: c.1892-13T>C on transcript NM_021625.5 (MANE Select); 13 bases into the intron before coding-DNA position 1892, T replaced by C.
Molecular consequence: intron variant.
Genome position (GRCh38, 1-based): chr12:109,788,729, A>G on the plus strand (T>C on the coding strand, the complement: TRPV4 is on the minus strand). VCF-style: chr12-109788729-A-G. GRCh37 (hg19) VCF-style: chr12-110226534-A-G.
Other names: c.1571-13T>C (NM_001177433.1); c.1751-13T>C (NM_001177428.1); c.1712-13T>C (NM_147204.2); c.1790-13T>C (NM_001177431.1).
Identifiers: ClinVar variation 513830 (VCV000513830.1), dbSNP rs1555205476, ClinGen allele CA658797949.
Genomic context (GRCh38, chr12:109,788,729, plus strand): 5'-CATTGCACACCTTCATGTTGGCACACGGGTTCAGGAGGGAGACCAGGGCTGTGGGAGGAT[A>G]GGGGTGGCACTCACTGAGTGTGAGCACACCCACAGAGAGGTGGAGGGTGTCATTCTCATT-3'